The following is an entry in ClinVar:

NM_000368.5(TSC1):c.3034T>C (p.Ser1012Pro)

Gene: TSC1 (TSC complex subunit 1; minus strand). Cytogenetic location: 9q34.13.
Variant type: single nucleotide variant.
Coding change: c.3034T>C on transcript NM_000368.5 (MANE Select); coding-DNA position 3034, T replaced by C.
Protein change: p.Ser1012Pro; replaces serine 1012 with proline.
Molecular consequence: missense variant.
Genome position (GRCh38, 1-based): chr9:132,896,696, A>G on the plus strand (T>C on the coding strand, the complement: TSC1 is on the minus strand). VCF-style: chr9-132896696-A-G. GRCh37 (hg19) VCF-style: chr9-135772083-A-G.
Other names: c.3031T>C, p.Ser1011Pro (NM_001162426.2); c.2881T>C, p.Ser961Pro (NM_001162427.2); c.2671T>C, p.Ser891Pro (NM_001362177.2); short protein forms S1012P, S1011P, S891P, S961P.
Identifiers: ClinVar variation 466112 (VCV000466112.11), dbSNP rs764979889, ClinGen allele CA375367789.
Genomic context (GRCh38, chr9:132,896,696, plus strand): 5'-TTCCACTACTGCCCCGGGCGCTGCTGGGCCTGGGGGTCTTGGTCTCACCGTTGTGGCCAG[A>G]TGCCTCTTCATTGTGCCCTACCATGGAATCTGAGCACCCGTCATTACAACAGTCAAGCCT-3'
Protein context (NP_000359.1, residues 1002-1022): DSMVGHNEEA[Ser1012Pro]GHNGETKTPR

ClinVar aggregate classification (germline): Conflicting classifications of pathogenicity. Review status: criteria provided, conflicting classifications (1 of 4 stars). 3 submissions from 3 submitters: Uncertain significance (2); Likely benign (1). Last evaluated 2026-06-04.

Conditions:
Hereditary cancer-predisposing syndrome. Also called: Tumor predisposition; Hereditary neoplastic syndrome; Neoplastic Syndromes, Hereditary; Hereditary Cancer Syndrome. Identifiers: Orphanet 140162, MedGen C0027672, MeSH D009386, MONDO:0015356.
Lymphangiomyomatosis (LAM). Also called: Lymphangioleiomyomatosis; Lymphangioleiomyomatosis, somatic. Identifiers: Orphanet 538, MedGen C0751674, MONDO:0011705, OMIM 606690.
Isolated focal cortical dysplasia type II (FCORD2). Also called: Focal cortical dysplasia type II; CORTICAL DYSPLASIA OF TAYLOR. Identifiers: Orphanet 268994, MedGen C1846385, MONDO:0011818, OMIM 607341, HP:0032051.
Tuberous sclerosis 1 (TSC1). Identifiers: Orphanet 805, MedGen C1854465, MONDO:0008612, OMIM 191100.

Submissions (3):

Ambry Genetics
Classification: Likely benign for Hereditary cancer-predisposing syndrome. Last evaluated: 2026-06-04. Review status: criteria provided, single submitter. Criteria: Ambry Variant Classification Scheme 2023. Collection method: clinical testing. Allele origin: germline.

Labcorp Genetics (formerly Invitae), Labcorp
Classification: Uncertain significance for Tuberous sclerosis 1. Last evaluated: 2024-12-15. Review status: criteria provided, single submitter. Criteria: Invitae Variant Classification Sherloc (09022015). Collection method: clinical testing. Allele origin: germline.
Comment: This sequence change replaces serine, which is neutral and polar, with proline, which is neutral and non-polar, at codon 1012 of the TSC1 protein (p.Ser1012Pro). This variant is not present in population databases (gnomAD no frequency). This variant has not been reported in the literature in individuals affected with TSC1-related conditions. ClinVar contains an entry for this variant (Variation ID: 466112). Invitae Evidence Modeling of protein sequence and biophysical properties (such as structural, functional, and spatial information, amino acid conservation, physicochemical variation, residue mobility, and thermodynamic stability) indicates that this missense variant is not expected to disrupt TSC1 protein function with a negative predictive value of 95%. In summary, the available evidence is currently insufficient to determine the role of this variant in disease. Therefore, it has been classified as a Variant of Uncertain Significance.

Fulgent Genetics
Classification: Uncertain significance for Tuberous sclerosis 1; Lymphangiomyomatosis; Isolated focal cortical dysplasia type II. Last evaluated: 2024-01-02. Review status: criteria provided, single submitter. Criteria: ACMG Guidelines, 2015. Collection method: clinical testing. Allele origin: germline.